The following is an entry in ClinVar:

NM_021072.4(HCN1):c.2619A>C (p.Ser873=)

Gene: HCN1 (hyperpolarization activated cyclic nucleotide gated potassium channel 1; minus strand). Cytogenetic location: 5p12.
Variant type: single nucleotide variant.
Coding change: c.2619A>C on transcript NM_021072.4 (MANE Select); coding-DNA position 2619, A replaced by C.
Protein change: p.Ser873=; no amino-acid change (serine 873 retained).
Molecular consequence: synonymous variant.
Genome position (GRCh38, 1-based): chr5:45,261,975, T>G on the plus strand (A>C on the coding strand, the complement: HCN1 is on the minus strand). VCF-style: chr5-45261975-T-G. GRCh37 (hg19) VCF-style: chr5-45262077-T-G.
Identifiers: ClinVar variation 3389728 (VCV003389728.14).

ClinVar aggregate classification (germline): Likely benign (1 of 4 stars; one submission).

Submission:

CeGaT Center for Human Genetics Tuebingen
Classification: Likely benign. Last evaluated: 2024-09-01. Review status: criteria provided, single submitter. Criteria: CeGaT Center For Human Genetics Tuebingen Variant Classification Criteria Version 2. Collection method: clinical testing. Allele origin: germline. Affected: yes. Observed: 1 variant allele.
Comment: HCN1: PM2:Supporting, BP4, BP7